The following is an entry in ClinVar:

NM_001365088.1(SLC12A6):c.1291_1292del (p.Ser431fs)

Gene: SLC12A6 (solute carrier family 12 member 6; minus strand). Cytogenetic location: 15q14.
Variant type: Deletion.
Coding change: c.1291_1292del on transcript NM_001365088.1 (MANE Select); coding-DNA positions 1291 to 1292, 2 bases deleted (TC; older notation c.1291_1292delTC).
Protein change: p.Ser431fs; shifts the reading frame from serine 431.
Molecular consequence: frameshift variant.
Genome position (GRCh38, 1-based): chr15:34,252,211-34,252,212, GA deleted on the plus strand (TC on the coding strand, the reverse complement: SLC12A6 is on the minus strand). VCF-style (leftmost placement, unchanged base first): chr15-34252210-TGA-T. GRCh37 (hg19) VCF-style: chr15-34544411-TGA-T.
Other names: c.1114_1115del, p.Ser372fs (NM_001042494.2, NM_001042495.2); c.1264_1265del, p.Ser422fs (NM_001042496.2); c.1246_1247del, p.Ser416fs (NM_001042497.2); c.1138_1139del, p.Ser380fs (NM_005135.2); c.1291_1292del, p.Ser431fs (NM_133647.2); short protein forms S372fs, S380fs, S416fs, S422fs, S431fs.
Identifiers: ClinVar variation 1726824 (VCV001726824.2), dbSNP rs2509808876, ClinGen allele CA2580089292.
Genomic context (GRCh38, chr15:34,252,210, plus strand): 5'-CCAATAACTCCCTAACTTACCTGTAATTATACCACTAGCCAATCCAGGAATGCCCTGGAT[TGA>T]AGTGACGTTATTGTGAACAAAGTATTCATCACAGGTGGCATTGAAAAATTGACTCGAGTT-3'

ClinVar aggregate classification (germline): Likely pathogenic (1 of 4 stars; one submission).

Conditions:
Agenesis of the corpus callosum with peripheral neuropathy (ACCPN). Also called: CHARLEVOIX DISEASE; POLYNEUROPATHY, SENSORIMOTOR, WITH OR WITHOUT AGENESIS OF THE CORPUS CALLOSUM; HMSN/ACC; Hereditary Motor and Sensory Neuropathy with Agenesis of the Corpus Callosum. Identifiers: Orphanet 1496, MedGen C0795950, MONDO:0000902, OMIM 218000. Disease mechanism: loss of function.

Submission:

Myriad Genetics, Inc.
Classification: Likely pathogenic for Agenesis of the corpus callosum with peripheral neuropathy. Last evaluated: 2022-01-02. Review status: criteria provided, single submitter. Criteria: Myriad Women's Health Autosomal Recessive and X-Linked Classification Criteria (2021). Collection method: clinical testing. Allele origin: unknown.
Comment: NM_133647.1(SLC12A6):c.1291_1292delTC(S431Nfs*9) is expected to be pathogenic in the context of Andermann syndrome. This variant is predicted to lead to an abnormal or absent protein product due to the creation of a premature termination codon in SLC12A6, a gene where loss-of-function variants are known to be pathogenic. Please note: this variant was assessed in the context of healthy population screening.